The following is an entry in ClinVar:

ClinVar aggregate classification (germline): Uncertain significance (1 of 4 stars; one submission).

Conditions:
Schuurs-Hoeijmakers syndrome. Also called: PACS1-Related Neurodevelopmental Disorder. Identifiers: Orphanet 329224, MedGen C3554343, MONDO:0014006, OMIM 615009.

Submission:

Labcorp Genetics (formerly Invitae), Labcorp
Classification: Uncertain significance for Schuurs-Hoeijmakers syndrome. Last evaluated: 2023-12-08. Review status: criteria provided, single submitter. Criteria: Invitae Variant Classification Sherloc (09022015). Collection method: clinical testing. Allele origin: germline.
Comment: This sequence change replaces phenylalanine, which is neutral and non-polar, with leucine, which is neutral and non-polar, at codon 334 of the PACS1 protein (p.Phe334Leu). This variant is not present in population databases (gnomAD no frequency). This variant has not been reported in the literature in individuals affected with PACS1-related conditions. Advanced modeling of protein sequence and biophysical properties (such as structural, functional, and spatial information, amino acid conservation, physicochemical variation, residue mobility, and thermodynamic stability) performed at Invitae indicates that this missense variant is not expected to disrupt PACS1 protein function with a negative predictive value of 80%. In summary, the available evidence is currently insufficient to determine the role of this variant in disease. Therefore, it has been classified as a Variant of Uncertain Significance.

NM_018026.4(PACS1):c.1002T>G (p.Phe334Leu)

Gene: PACS1 (phosphofurin acidic cluster sorting protein 1; plus strand). Cytogenetic location: 11q13.2.
Variant type: single nucleotide variant.
Coding change: c.1002T>G on transcript NM_018026.4 (MANE Select); coding-DNA position 1002, T replaced by G.
Protein change: p.Phe334Leu; replaces phenylalanine 334 with leucine.
Molecular consequence: missense variant.
Genome position (GRCh38, 1-based): chr11:66,219,769, T>G. VCF-style: chr11-66219769-T-G. GRCh37 (hg19) VCF-style: chr11-65987240-T-G.
Other names: short protein forms F334L.
Identifiers: ClinVar variation 2701472 (VCV002701472.3), dbSNP rs966181361, ClinGen allele CA381354650.